The following is an entry in ClinVar:

ClinVar aggregate classification (germline): Uncertain significance (3 of 4 stars; one submission).

Conditions:
RPGR-related retinopathy. Also called: RPGR retinopathy. Identifiers: MedGen CN305589, MONDO:0100437.

Submission:

ClinGen X-linked Inherited Retinal Disease Variant Curation Expert Panel, ClinGen
Classification: Uncertain significance for RPGR-related retinopathy. Last evaluated: 2025-09-07. Review status: reviewed by expert panel. Criteria: ClinGen X LinkedIRD ACMG Specifications RPGR V1.0.0. Collection method: curation. Allele origin: germline. Inheritance: X-linked inheritance.
Comment: NM_001034853.2(RPGR):c.752G>T (p.Gly251Val) is a missense variant that replaces glycine with valine at codon 251. Another missense variant in the same codon, NM_001034853.2(RPGR):c.752G>A (p.Gly251Asp) has been reported in relation to inherited retinal disease (ClinVar Accession: SCV000623951.5), while no benign missense variants have been identified in this codon. The present variant has a higher Grantham’s distance (109) than the comparison variant (94), and SpliceAI has been used to confirm that neither variant has a predicted impact on RPGR splicing. However, the comparison variant has been classified as a variant of uncertain significance for RPGR-related retinopathy by the ClinGen X-linked IRD VCEP, so the PM5_Supporting code is not met. This variant is absent from hemizygous individuals in gnomAD v4.1.0 (PM2_Supporting). This variant has been reported in at least 1 proband meeting one of the PS4 requirements of some functional vision impairment in affected males by age 30 years, and/or decreased or absent electroretinogram responses (PMID: 33576794). PS4_Supporting requires at least 2 unrelated probands, so this criterion was not met. The proband harboring this variant exhibits a phenotype including onset of visual impairment in the first decade of life (1 pt), reduced or absent electroretinogram responses from rods and cones, and visual field constriction (0.5 pts), which together are not sufficiently specific for RPGR-related retinopathy to meet the PP4 code (1.5 points, PMID: 33576794). In summary, this variant is classified as a variant of uncertain significance for RPGR-related retinopathy based on the ClinGen X-linked Inherited Retinal Disease Expert Panel Specifications to the ACMG/AMP Variant Interpretation Guidelines for RPGR Version 1.0.0; PM2_Supporting and PP3_Strong.

NM_001034853.2(RPGR):c.752G>T (p.Gly251Val)

Gene: RPGR (retinitis pigmentosa GTPase regulator; minus strand). Cytogenetic location: Xp11.4.
Variant type: single nucleotide variant.
Coding change: c.752G>T on transcript NM_001034853.2 (MANE Select); coding-DNA position 752, G replaced by T.
Protein change: p.Gly251Val; replaces glycine 251 with valine.
Molecular consequence: missense variant. On other transcripts: non-coding transcript variant (6).
Genome position (GRCh38, 1-based): chrX:38,310,641, C>A on the plus strand (G>T on the coding strand, the complement: RPGR is on the minus strand). VCF-style: chrX-38310641-C-A. GRCh37 (hg19) VCF-style: chrX-38169894-C-A.
Other names: NM_001034853.2:c.752G>T; c.752G>T, p.Gly251Val (NM_000328.3, NM_001367246.1, NM_001367247.1 and 1 more transcripts); c.749G>T, p.Gly250Val (NM_001367245.1, NM_001367249.1, NM_001367250.1); c.782G>T, p.Gly261Val (NM_001367248.1); short protein forms G250V, G251V, G261V.
Identifiers: ClinVar variation 4082184 (VCV004082184.1).